The following is an entry in ClinVar:

NM_145038.5(DRC1):c.357-2A>G

Gene: DRC1 (dynein regulatory complex subunit 1; plus strand). Cytogenetic location: 2p23.3.
Variant type: single nucleotide variant.
Coding change: c.357-2A>G on transcript NM_145038.5 (MANE Select); the canonical splice acceptor site of the intron before coding-DNA position 357, A replaced by G.
Molecular consequence: splice acceptor variant.
Genome position (GRCh38, 1-based): chr2:26,424,269, A>G. VCF-style: chr2-26424269-A-G. GRCh37 (hg19) VCF-style: chr2-26647137-A-G.
Identifiers: ClinVar variation 2177040 (VCV002177040.4), dbSNP rs2465381819, ClinGen allele CA346098711.
Genomic context (GRCh38, chr2:26,424,269, plus strand): 5'-TGCTCTACTGGAAGGCAGCATCTGGAGCTGGGTTGGCATGGCTGGCATGTATGTATTTGC[A>G]GGATTGAGAAGCTGGAGAATGAAGTTAAGACCAGCCAGGACAAATTCGATGAAATCACCT-3'

ClinVar aggregate classification (germline): Likely pathogenic (1 of 4 stars; one submission).

Conditions:
Primary ciliary dyskinesia. Also called: Ciliary dyskinesia. Identifiers: Orphanet 244, MedGen C0008780, MONDO:0016575, HP:0012265.

Allele frequency attached by ClinVar (database versions not stated): gnomAD exomes below 0.00001.

Submission:

Labcorp Genetics (formerly Invitae), Labcorp
Classification: Likely pathogenic for Primary ciliary dyskinesia. Last evaluated: 2025-12-08. Review status: criteria provided, single submitter. Criteria: Invitae Variant Classification Sherloc (09022015). Collection method: clinical testing. Allele origin: germline.
Comment: This sequence change affects an acceptor splice site in intron 3 of the DRC1 gene. It is expected to disrupt RNA splicing. Variants that disrupt the donor or acceptor splice site typically lead to a loss of protein function (PMID: 16199547), and loss-of-function variants in DRC1 are known to be pathogenic (PMID: 23354437, 31960620). This variant is not present in population databases (gnomAD no frequency). This variant has not been reported in the literature in individuals affected with DRC1-related conditions. ClinVar contains an entry for this variant (Variation ID: 2177040). Algorithms developed to predict the effect of sequence changes on RNA splicing suggest that this variant may disrupt the consensus splice site. In summary, the currently available evidence indicates that the variant is pathogenic, but additional data are needed to prove that conclusively. Therefore, this variant has been classified as Likely Pathogenic.

Literature cited by the submitters: PubMed 16199547; PubMed 23354437; PubMed 31960620.